The following is an entry in ClinVar:

ClinVar aggregate classification (germline): Pathogenic/Likely pathogenic. Review status: criteria provided, multiple submitters, no conflicts (2 of 4 stars). 2 submissions from 2 submitters: Pathogenic (1); Likely pathogenic (1). Last evaluated 2025-08-11.

Conditions:
LAMA2-related muscular dystrophy (LAMA2-RD). Also called: Laminin alpha 2-related dystrophy. Identifiers: MedGen C5679788, MONDO:0100228.
Merosin deficient congenital muscular dystrophy (MDC1A). Also called: Congenital Muscular Dystrophy Type 1A (MDC1A); Congenital merosin-deficient muscular dystrophy 1A. Identifiers: Orphanet 258, MedGen C1263858, MONDO:0011925, OMIM 607855.

Submissions (2):

Myriad Genetics, Inc.
Classification: Pathogenic for LAMA2-related muscular dystrophy. Last evaluated: 2025-08-11. Review status: criteria provided, single submitter. Criteria: Myriad Autosomal Dominant, Autosomal Recessive and X-Linked Classification Criteria (2023). Collection method: clinical testing. Allele origin: unknown.
Comment: NM_000426.3(LAMA2):c.5259dupA(V1754Sfs*13) is a frameshift variant classified as pathogenic in the context of muscular dystrophy, LAMA2-related. V1754Sfs*13 has not been observed in cases with relevant disease. Relevant functional assessments of this variant are not available in the literature. V1754Sfs*13 has not been observed in referenced population frequency databases. In summary, NM_000426.3(LAMA2):c.5259dupA(V1754Sfs*13) is a frameshift variant in a gene where loss of function is a known mechanism of disease and is predicted to disrupt protein function. Please note: this variant was assessed in the context of healthy population screening.

Baylor Genetics
Classification: Likely pathogenic for Merosin deficient congenital muscular dystrophy. Last evaluated: 2024-03-24. Review status: criteria provided, single submitter. Criteria: ACMG Guidelines, 2015. Collection method: clinical testing. Allele origin: unknown.

NM_000426.4(LAMA2):c.5259dup (p.Val1754fs)

Gene: LAMA2 (laminin subunit alpha 2; plus strand). Cytogenetic location: 6q22.33.
Variant type: Duplication.
Coding change: c.5259dup on transcript NM_000426.4 (MANE Select); coding-DNA position 5259, one base duplicated (A; older notation c.5259dupA).
Protein change: p.Val1754fs; shifts the reading frame from valine 1754.
Molecular consequence: frameshift variant.
Genome position (GRCh38, 1-based): chr6:129,393,069, A duplicated; the last of 6 consecutive A bases (chr6:129,393,064-129,393,069); duplicating any one gives the same sequence. VCF-style (leftmost placement, unchanged base first): chr6-129393063-G-GA. GRCh37 (hg19) VCF-style: chr6-129714208-G-GA.
Other names: c.5259dup, p.Val1754fs (NM_001079823.2); short protein forms V1754fs.
Identifiers: ClinVar variation 3241801 (VCV003241801.2), dbSNP rs1211739649.